The following is an entry in ClinVar:

ClinVar aggregate classification (germline): Likely benign (0 of 4 stars; one submission).

Conditions:
FIG4-related disorder. Also called: FIG4-related condition; FIG4-related disorders.

Submission:

PreventionGenetics, part of Exact Sciences
Classification: Likely benign for FIG4-related condition. Last evaluated: 2023-08-10. Review status: no assertion criteria provided. Collection method: clinical testing. Allele origin: germline.
Comment: This variant is classified as likely benign based on ACMG/AMP sequence variant interpretation guidelines (Richards et al. 2015 PMID: 25741868, with internal and published modifications).

NM_014845.6(FIG4):c.1833A>G (p.Pro611=)

Gene: FIG4 (FIG4 phosphoinositide 5-phosphatase; plus strand). Cytogenetic location: 6q21.
Variant type: single nucleotide variant.
Coding change: c.1833A>G on transcript NM_014845.6 (MANE Select); coding-DNA position 1833, A replaced by G.
Protein change: p.Pro611=; no amino-acid change (proline 611 retained).
Molecular consequence: synonymous variant.
Genome position (GRCh38, 1-based): chr6:109,777,004, A>G. VCF-style: chr6-109777004-A-G. GRCh37 (hg19) VCF-style: chr6-110098207-A-G.
Identifiers: ClinVar variation 3029809 (VCV003029809.2), dbSNP rs2486205480, ClinGen allele CA451755520.